The following is an entry in ClinVar:

NM_002519.3(NPAT):c.3662T>G (p.Leu1221Arg)

Gene: NPAT (nuclear protein, coactivator of histone transcription; minus strand). Cytogenetic location: 11q22.3.
Variant type: single nucleotide variant.
Coding change: c.3662T>G on transcript NM_002519.3 (MANE Select); coding-DNA position 3662, T replaced by G.
Protein change: p.Leu1221Arg; replaces leucine 1221 with arginine.
Molecular consequence: missense variant.
Genome position (GRCh38, 1-based): chr11:108,161,424, A>C on the plus strand (T>G on the coding strand, the complement: NPAT is on the minus strand). VCF-style: chr11-108161424-A-C. GRCh37 (hg19) VCF-style: chr11-108032151-A-C.
Other names: c.3683T>G, p.Leu1228Arg (NM_001321307.1); short protein forms L1221R, L1228R.
Identifiers: ClinVar variation 2447470 (VCV002447470.3), dbSNP rs768652417, ClinGen allele CA6263541.
Genomic context (GRCh38, chr11:108,161,424, plus strand): 5'-AAAGAACTGGCGGATTTAGTTTGTTCTTGTTTTAGATCCTTCACAGCTGTACCTACTGAA[A>C]GTACATTTTTATTGTTTGAAGATGTGCCTTGTTTTTTGGTCATTTCTTGCAGTGAAGCTA-3'
Protein context (NP_002510.2, residues 1211-1231): QGTSSNNKNV[Leu1221Arg]SVGTAVKDLK

ClinVar aggregate classification (germline): Uncertain significance. Review status: criteria provided, multiple submitters, no conflicts (2 of 4 stars). 2 submissions from 2 submitters: Uncertain significance (2). Last evaluated 2025-04-21.

Allele frequency attached by ClinVar (database versions not stated): gnomAD exomes below 0.00001; ExAC 0.00001.
gnomAD v4.1: 2 of 1,614,182 alleles (0.00012%); highest among the groups gnomAD compares: Non-Finnish European, 0.00017%; no homozygotes.

Submissions (2):

Labcorp Genetics (formerly Invitae), Labcorp
Classification: Uncertain significance. Last evaluated: 2025-04-21. Review status: criteria provided, single submitter. Criteria: Invitae Variant Classification Sherloc (09022015). Collection method: clinical testing. Allele origin: germline.
Comment: This sequence change replaces leucine, which is neutral and non-polar, with arginine, which is basic and polar, at codon 1221 of the NPAT protein (p.Leu1221Arg). This variant is present in population databases (rs768652417, gnomAD 0.0009%). This variant has not been reported in the literature in individuals affected with NPAT-related conditions. ClinVar contains an entry for this variant (Variation ID: 2447470). An algorithm developed to predict the effect of missense changes on protein structure and function (PolyPhen-2) suggests that this variant is likely to be tolerated. In summary, the available evidence is currently insufficient to determine the role of this variant in disease. Therefore, it has been classified as a Variant of Uncertain Significance.

Ambry Genetics
Classification: Uncertain significance. Last evaluated: 2023-01-12. Review status: criteria provided, single submitter. Criteria: Ambry Variant Classification Scheme 2023. Collection method: clinical testing. Allele origin: germline.
Comment: The p.L1221R variant (also known as c.3662T>G), located in coding exon 17 of the NPAT gene, results from a T to G substitution at nucleotide position 3662. The leucine at codon 1221 is replaced by arginine, an amino acid with dissimilar properties. This amino acid position is conserved. In addition, this alteration is predicted to be tolerated by in silico analysis. Since supporting evidence is limited at this time, the clinical significance of this alteration remains unclear.